The following is an entry in ClinVar:

NM_206926.2(SELENON):c.753C>G (p.Tyr251Ter)

Gene: SELENON (selenoprotein N; plus strand). Cytogenetic location: 1p36.11.
Variant type: single nucleotide variant.
Coding change: c.753C>G on transcript NM_206926.2 (MANE Select); coding-DNA position 753, C replaced by G.
Protein change: p.Tyr251Ter; replaces tyrosine 251 with a stop codon.
Molecular consequence: nonsense.
Genome position (GRCh38, 1-based): chr1:25,809,133, C>G. VCF-style: chr1-25809133-C-G. GRCh37 (hg19) VCF-style: chr1-26135624-C-G.
Other names: c.855C>G, p.Tyr285Ter (NM_020451.3); short protein forms Y285*, Y251*.
Identifiers: ClinVar variation 432743 (VCV000432743.4), dbSNP rs1553120110, ClinGen allele CA339114209.

ClinVar aggregate classification (germline): Pathogenic/Likely pathogenic. Review status: criteria provided, multiple submitters, no conflicts (2 of 4 stars). 2 submissions from 2 submitters: Pathogenic (1); Likely pathogenic (1). Last evaluated 2025-02-22.

Conditions:
Eichsfeld type congenital muscular dystrophy (CMYO3). Also called: MYOPATHY, SEPN1-RELATED; SELENON-related myopathy; Congenital myopathy 3 with rigid spine; Rigid spine muscular dystrophy 1. Identifiers: MedGen C0410180, MONDO:0100100, OMIM 602771.

Submissions (2):

3billion
Classification: Pathogenic for Eichsfeld type congenital muscular dystrophy. Last evaluated: 2025-02-22. Review status: criteria provided, single submitter. Criteria: ACMG Guidelines, 2015. Collection method: clinical testing. Allele origin: germline. Affected: yes.
Comment: The variant is not observed in the gnomAD v4.1.0 dataset. Predicted Consequence/Location: Stop-gained (nonsense): predicted to result in a loss or disruption of normal protein function through nonsense-mediated decay (NMD) or protein truncation. Multiple pathogenic variants are reported downstream of the variant. The variant has been reported to be associated with SELENON-related disorder (ClinVar ID: VCV000432743). Therefore, this variant is classified as Pathogenic according to the recommendation of ACMG/AMP guideline.

GeneDx
Classification: Likely pathogenic. Last evaluated: 2024-07-03. Review status: criteria provided, single submitter. Criteria: GeneDx Variant Classification Process June 2021. Collection method: clinical testing. Allele origin: germline. Affected: yes.
Comment: Nonsense variant predicted to result in protein truncation or nonsense mediated decay in a gene for which loss of function is a known mechanism of disease; Not observed at significant frequency in large population cohorts (gnomAD); Has not been previously published as pathogenic or benign to our knowledge